The following is an entry in ClinVar:

ClinVar aggregate classification (germline): Uncertain significance (1 of 4 stars; one submission).

Allele frequency attached by ClinVar (database versions not stated): gnomAD exomes below 0.00001 and 0.00001; TOPMed below 0.00001.
gnomAD v4.1: 10 of 1,614,038 alleles (0.00062%); highest among the groups gnomAD compares: Non-Finnish European, 0.00076%; no homozygotes.

Submission:

Labcorp Genetics (formerly Invitae), Labcorp
Classification: Uncertain significance. Last evaluated: 2022-03-10. Review status: criteria provided, single submitter. Criteria: Invitae Variant Classification Sherloc (09022015). Collection method: clinical testing. Allele origin: germline.
Comment: In summary, the available evidence is currently insufficient to determine the role of this variant in disease. Therefore, it has been classified as a Variant of Uncertain Significance. This sequence change affects a donor splice site in intron 6 of the EXOSC2 gene. It is expected to disrupt RNA splicing. Variants that disrupt the donor or acceptor splice site typically lead to a loss of protein function (PMID: 16199547), however the current clinical and genetic evidence is not sufficient to establish whether loss-of-function variants in EXOSC2 cause disease. This variant is not present in population databases (gnomAD no frequency). This variant has not been reported in the literature in individuals affected with EXOSC2-related conditions. Algorithms developed to predict the effect of sequence changes on RNA splicing suggest that this variant may disrupt the consensus splice site.

Literature cited by the submitters: PubMed 16199547.

NM_014285.7(EXOSC2):c.495+1G>T

Gene: EXOSC2 (exosome component 2; plus strand). Cytogenetic location: 9q34.12.
Variant type: single nucleotide variant.
Coding change: c.495+1G>T on transcript NM_014285.7 (MANE Select); the canonical splice donor site of the intron after coding-DNA position 495, G replaced by T.
Molecular consequence: splice donor variant. On other transcripts: intron variant (1).
Genome position (GRCh38, 1-based): chr9:130,700,936, G>T. VCF-style: chr9-130700936-G-T. GRCh37 (hg19) VCF-style: chr9-133576323-G-T.
Other names: c.427-1207G>T (NM_001282708.1); c.405+1G>T (NM_001282709.1).
Identifiers: ClinVar variation 1469114 (VCV001469114.6), dbSNP rs1564258092, ClinGen allele CA375247779.